The following is an entry in ClinVar:

NM_004958.4(MTOR):c.5065C>G (p.Leu1689Val)

Gene: MTOR (mechanistic target of rapamycin kinase; minus strand). Cytogenetic location: 1p36.22.
Variant type: single nucleotide variant.
Coding change: c.5065C>G on transcript NM_004958.4 (MANE Select); coding-DNA position 5065, C replaced by G.
Protein change: p.Leu1689Val; replaces leucine 1689 with valine.
Molecular consequence: missense variant.
Genome position (GRCh38, 1-based): chr1:11,139,369, G>C on the plus strand (C>G on the coding strand, the complement: MTOR is on the minus strand). VCF-style: chr1-11139369-G-C. GRCh37 (hg19) VCF-style: chr1-11199426-G-C.
Other names: c.5065C>G, p.Leu1689Val (NM_001386500.1); c.3817C>G, p.Leu1273Val (NM_001386501.1); short protein forms L1273V, L1689V.
Identifiers: ClinVar variation 2120418 (VCV002120418.4), dbSNP rs2100477206, ClinGen allele CA338401874.
Genomic context (GRCh38, chr1:11,139,369, plus strand): 5'-GGGCACTCTTCCACATGTTTTTCATGTAGGCATAGGTCACCTGAGGGTGAACTGTTGGCA[G>C]AGGATGGTCAAGTTGCCGAGACGGATCAACTCCCAGGAGCAACACTAAAGTTTTATGAGC-3'
Protein context (NP_004949.1, residues 1679-1699): VDPSRQLDHP[Leu1689Val]PTVHPQVTYA

ClinVar aggregate classification (germline): Uncertain significance (1 of 4 stars; one submission).

Submission:

Labcorp Genetics (formerly Invitae), Labcorp
Classification: Uncertain significance. Last evaluated: 2022-08-16. Review status: criteria provided, single submitter. Criteria: Invitae Variant Classification Sherloc (09022015). Collection method: clinical testing. Allele origin: germline.
Comment: This sequence change replaces leucine, which is neutral and non-polar, with valine, which is neutral and non-polar, at codon 1689 of the MTOR protein (p.Leu1689Val). This variant is not present in population databases (gnomAD no frequency). This variant has not been reported in the literature in individuals affected with MTOR-related conditions. Advanced modeling of protein sequence and biophysical properties (such as structural, functional, and spatial information, amino acid conservation, physicochemical variation, residue mobility, and thermodynamic stability) performed at Invitae indicates that this missense variant is expected to disrupt MTOR protein function. In summary, the available evidence is currently insufficient to determine the role of this variant in disease. Therefore, it has been classified as a Variant of Uncertain Significance.